The following is an entry in ClinVar:

ClinVar aggregate classification (germline): Likely pathogenic. Review status: criteria provided, multiple submitters, no conflicts (2 of 4 stars). 2 submissions from 2 submitters: Likely pathogenic (2). Last evaluated 2024-03-06.

Conditions:
Cardiovascular phenotype. Identifiers: MedGen CN230736.

Submissions (2):

Mayo Clinic Laboratories, Mayo Clinic
Classification: Likely pathogenic. Last evaluated: 2024-03-06. Review status: criteria provided, single submitter. Criteria: ACMG Guidelines, 2015. Collection method: clinical testing. Allele origin: germline. Observed: 1 variant allele.
Comment: PM2_supporting, PVS1

Ambry Genetics
Classification: Likely pathogenic for Cardiovascular phenotype. Last evaluated: 2022-03-24. Review status: criteria provided, single submitter. Criteria: Ambry Variant Classification Scheme 2023. Collection method: clinical testing. Allele origin: germline.
Comment: The c.51368_51371dupTTGA variant, located in coding exon 153 of the TTN gene, results from a duplication of TTGA at nucleotide position 51368, causing a translational frameshift with a predicted alternate stop codon (p.E17124Dfs*2). This exon is located in the A-band region of the N2-B isoform of the titin protein and is constitutively expressed in TTN transcripts (percent spliced in or PSI 100%). This variant is considered to be rare based on population cohorts in the Genome Aggregation Database (gnomAD). This alteration is expected to result in loss of function by premature protein truncation or nonsense-mediated mRNA decay. While truncating variants in TTN are present in 1-3% of the general population, truncating variants in the A-band are the most common cause of dilated cardiomyopathy (DCM) (Herman DS et al. N. Engl. J. Med., 2012 Feb;366:619-28; Roberts AM et al. Sci Transl Med, 2015 Jan;7:270ra6). TTN truncating variants encoded in constitutive exons (PSI >90%) have been found to be significantly associated with DCM regardless of their position in titin (Schafer S et al. Nat. Genet., 2017 01;49:46-53). As such, this alteration is classified as likely pathogenic.

NM_001267550.2(TTN):c.78563_78566dup (p.Glu26189delinsAspTer)

Genes: TTN (titin; minus strand), TTN-AS1 (TTN antisense RNA 1; plus strand). Cytogenetic location: 2q31.2.
Variant type: Duplication.
Coding change: c.78563_78566dup on transcript NM_001267550.2 (MANE Select); coding-DNA positions 78563 to 78566, 4 bases duplicated (TTGA; older notation c.78563_78566dupTTGA).
Protein change: p.Glu26189delinsAspTer.
Molecular consequence: nonsense.
Genome position (GRCh38, 1-based): chr2:178,567,566-178,567,569, TCAA duplicated on the plus strand (TTGA on the coding strand, the reverse complement: TTN is on the minus strand). VCF-style (leftmost placement, unchanged base first): chr2-178567565-T-TTCAA. GRCh37 (hg19) VCF-style: chr2-179432292-T-TTCAA.
Other names: p.Glu24548Aspfs*2; c.73640_73643dup, p.Glu24548delinsAspTer (NM_001256850.1); c.51368_51371dup, p.Glu17124delinsAspTer (NM_003319.4); c.70859_70862dup, p.Glu23621delinsAspTer (NM_133378.4); c.51743_51746dup, p.Glu17249delinsAspTer (NM_133432.3); c.51944_51947dup, p.Glu17316delinsAspTer (NM_133437.4); c.51368_51371dupTTGA (NM_003319.4).
Identifiers: ClinVar variation 1745571 (VCV001745571.3), dbSNP rs2468328310, ClinGen allele CA2580064750.